The following is an entry in ClinVar:

ClinVar aggregate classification (germline): Uncertain significance (1 of 4 stars; one submission).

Allele frequency attached by ClinVar (database versions not stated): gnomAD exomes below 0.00001; gnomAD 0.00001.
gnomAD v4.1: 2 of 1,611,436 alleles (0.00012%); highest among the groups gnomAD compares: Admixed American, 0.0033%; no homozygotes.

Submission:

Labcorp Genetics (formerly Invitae), Labcorp
Classification: Uncertain significance. Last evaluated: 2022-08-15. Review status: criteria provided, single submitter. Criteria: Invitae Variant Classification Sherloc (09022015). Collection method: clinical testing. Allele origin: germline.
Comment: This sequence change replaces alanine, which is neutral and non-polar, with threonine, which is neutral and polar, at codon 2933 of the ADGRV1 protein (p.Ala2933Thr). This variant is present in population databases (no rsID available, gnomAD 0.003%). This variant has not been reported in the literature in individuals affected with ADGRV1-related conditions. Algorithms developed to predict the effect of missense changes on protein structure and function (SIFT, PolyPhen-2, Align-GVGD) all suggest that this variant is likely to be tolerated. In summary, the available evidence is currently insufficient to determine the role of this variant in disease. Therefore, it has been classified as a Variant of Uncertain Significance.

NM_032119.4(ADGRV1):c.8797G>A (p.Ala2933Thr)

Gene: ADGRV1 (adhesion G protein-coupled receptor V1; plus strand). Cytogenetic location: 5q14.3.
Variant type: single nucleotide variant.
Coding change: c.8797G>A on transcript NM_032119.4 (MANE Select); coding-DNA position 8797, G replaced by A.
Protein change: p.Ala2933Thr; replaces alanine 2933 with threonine.
Molecular consequence: missense variant. On other transcripts: non-coding transcript variant (1).
Genome position (GRCh38, 1-based): chr5:90,708,882, G>A. VCF-style: chr5-90708882-G-A. GRCh37 (hg19) VCF-style: chr5-90004699-G-A.
Other names: short protein forms A2933T.
Identifiers: ClinVar variation 2070387 (VCV002070387.1), dbSNP rs868178705, ClinGen allele CA122803994.